The following is an entry in ClinVar:

NM_001365276.2(TNXB):c.6349G>A (p.Val2117Ile)

Gene: TNXB (tenascin XB; minus strand). Cytogenetic location: 6p21.33.
Variant type: single nucleotide variant.
Coding change: c.6349G>A on transcript NM_001365276.2 (MANE Select); coding-DNA position 6349, G replaced by A.
Protein change: p.Val2117Ile; replaces valine 2117 with isoleucine.
Molecular consequence: missense variant.
Genome position (GRCh38, 1-based): chr6:32,067,856, C>T on the plus strand (G>A on the coding strand, the complement: TNXB is on the minus strand). VCF-style: chr6-32067856-C-T. GRCh37 (hg19) VCF-style: chr6-32035633-C-T.
Other names: p.Val2117Ile; c.7090G>A, p.Val2364Ile (NM_001428335.1); c.6349G>A, p.Val2117Ile (NM_019105.8); short protein forms V2364I, V2117I.
Identifiers: ClinVar variation 3459741 (VCV003459741.3).

ClinVar aggregate classification (germline): Conflicting classifications of pathogenicity. Review status: criteria provided, conflicting classifications (1 of 4 stars). 3 submissions from 3 submitters: Uncertain significance (2); Likely benign (1). Last evaluated 2026-02-10.

Conditions:
Cardiovascular phenotype. Identifiers: MedGen CN230736.

Submissions (3):

GeneDx
Classification: Uncertain significance. Last evaluated: 2026-02-10. Review status: criteria provided, single submitter. Criteria: GeneDx Variant Classification Process June 2021. Collection method: clinical testing. Allele origin: germline.
Comment: Not observed at significant frequency in large population cohorts (gnomAD); In silico analysis suggests that this missense variant does not alter protein structure/function; Has not been previously published as pathogenic or benign to our knowledge

Mayo Clinic Laboratories, Mayo Clinic
Classification: Uncertain significance. Last evaluated: 2025-01-23. Review status: criteria provided, single submitter. Criteria: ACMG Guidelines, 2015. Collection method: clinical testing. Allele origin: germline. Observed: 1 variant allele.
Comment: BP4, PM2_supporting

Ambry Genetics
Classification: Likely benign for Cardiovascular phenotype. Last evaluated: 2024-10-16. Review status: criteria provided, single submitter. Criteria: Ambry Variant Classification Scheme 2023. Collection method: clinical testing. Allele origin: germline.